The following is an entry in ClinVar:

NM_000742.4(CHRNA2):c.413_422del (p.Glu138fs)

Gene: CHRNA2 (cholinergic receptor nicotinic alpha 2 subunit; minus strand). Cytogenetic location: 8p21.2.
Variant type: Deletion.
Coding change: c.413_422del on transcript NM_000742.4 (MANE Select); coding-DNA positions 413 to 422, 10 bases deleted (AGATGATCTG; older notation c.413_422delAGATGATCTG).
Protein change: p.Glu138fs; shifts the reading frame from glutamic acid 138.
Molecular consequence: frameshift variant. On other transcripts: 5 prime UTR variant (4).
Genome position (GRCh38, 1-based): chr8:27,467,256-27,467,265, CAGATCATCT deleted on the plus strand (AGATGATCTG on the coding strand, the reverse complement: CHRNA2 is on the minus strand); deleting any 10 consecutive bases within chr8:27,467,256-27,467,269 gives the same sequence; the c. name uses the placement nearest the transcript's 3' end. VCF-style (leftmost placement, unchanged base first): chr8-27467255-CCAGATCATCT-C. GRCh37 (hg19) VCF-style: chr8-27324772-CCAGATCATCT-C.
Other names: c.368_377del, p.Glu123fs (NM_001282455.2); c.-60_-51del (NM_001347705.2, NM_001347706.2); c.-46_-37del (NM_001347707.2); c.-49_-40del (NM_001347708.2); short protein forms E138fs, E123fs.
Identifiers: ClinVar variation 2861897 (VCV002861897.3), dbSNP rs2490558684, ClinGen allele CA2739278678.
Genomic context (GRCh38, chr8:27,467,255, plus strand): 5'-CCCTCATCCCCCCAGGACCCCAATGGCTTCCTACTTGTTGTAGAGAACAATGTCGGGGAT[CCAGATCATCT>C]CAGAAGGGACCCTGAGAGATGTGATGTTGCCAAAATCAGTGGGGTTCCAGCGCAGTTTGT-3'

ClinVar aggregate classification (germline): Uncertain significance (1 of 4 stars; one submission).

Conditions:
Familial sleep-related hypermotor epilepsy. Also called: Autosomal Dominant Sleep-Related Hypermotor (Hyperkinetic) Epilepsy. Identifiers: Orphanet 98784, MedGen C3696898, MONDO:0000030.

Submission:

Labcorp Genetics (formerly Invitae), Labcorp
Classification: Uncertain significance. Last evaluated: 2025-02-17. Review status: criteria provided, single submitter. Criteria: Invitae Variant Classification Sherloc (09022015). Collection method: clinical testing. Allele origin: germline.
Comment: This sequence change creates a premature translational stop signal (p.Glu138Glyfs*17) in the CHRNA2 gene. It is expected to result in an absent or disrupted protein product. However, the current clinical and genetic evidence is not sufficient to establish whether loss-of-function variants in CHRNA2 cause disease. This variant is not present in population databases (gnomAD no frequency). This variant has not been reported in the literature in individuals affected with CHRNA2-related conditions. ClinVar contains an entry for this variant (Variation ID: 2861897). In summary, the available evidence is currently insufficient to determine the role of this variant in disease. Therefore, it has been classified as a Variant of Uncertain Significance.